The following is an entry in ClinVar:

NM_170675.5(MEIS2):c.142A>G (p.Thr48Ala)

Gene: MEIS2 (Meis homeobox 2; minus strand). Cytogenetic location: 15q14.
Variant type: single nucleotide variant.
Coding change: c.142A>G on transcript NM_170675.5 (MANE Select); coding-DNA position 142, A replaced by G.
Protein change: p.Thr48Ala; replaces threonine 48 with alanine.
Molecular consequence: missense variant. On other transcripts: 5 prime UTR variant (1), non-coding transcript variant (1).
Genome position (GRCh38, 1-based): chr15:37,098,070, T>C on the plus strand (A>G on the coding strand, the complement: MEIS2 is on the minus strand). VCF-style: chr15-37098070-T-C. GRCh37 (hg19) VCF-style: chr15-37390271-T-C.
Other names: c.142A>G, p.Thr48Ala (NM_001220482.2, NM_170674.5, NM_170676.5 and 1 more transcripts); c.103A>G, p.Thr35Ala (NM_002399.4, NM_172315.3); c.-100A>G (NM_172316.3); short protein forms T35A, T48A.
Identifiers: ClinVar variation 657998 (VCV000657998.11), dbSNP rs1596139159, ClinGen allele CA391929045.

ClinVar aggregate classification (germline): Uncertain significance (1 of 4 stars; one submission).

Conditions:
Cardiac malformation, cleft lip/palate, microcephaly, and digital anomalies. Also called: CLEFT PALATE, CARDIAC DEFECTS, AND IMPAIRED INTELLECTUAL DEVELOPMENT. Identifiers: MedGen C1832950, MONDO:0010970, OMIM 600987.

Allele frequency attached by ClinVar (database versions not stated): gnomAD exomes below 0.00001.
gnomAD v4.1: 1 of 1,613,844 alleles (0.000062%); highest among the groups gnomAD compares: Non-Finnish European, 0.000085%; no homozygotes.

Submission:

Labcorp Genetics (formerly Invitae), Labcorp
Classification: Uncertain significance for Cardiac malformation, cleft lip/palate, microcephaly, and digital anomalies. Last evaluated: 2025-08-23. Review status: criteria provided, single submitter. Criteria: Invitae Variant Classification Sherloc (09022015). Collection method: clinical testing. Allele origin: germline.
Comment: This sequence change replaces threonine, which is neutral and polar, with alanine, which is neutral and non-polar, at codon 48 of the MEIS2 protein (p.Thr48Ala). This variant is not present in population databases (gnomAD no frequency). This variant has not been reported in the literature in individuals affected with MEIS2-related conditions. ClinVar contains an entry for this variant (Variation ID: 657998). Invitae Evidence Modeling of protein sequence and biophysical properties (such as structural, functional, and spatial information, amino acid conservation, physicochemical variation, residue mobility, and thermodynamic stability) indicates that this missense variant is not expected to disrupt MEIS2 protein function with a negative predictive value of 80%. In summary, the available evidence is currently insufficient to determine the role of this variant in disease. Therefore, it has been classified as a Variant of Uncertain Significance.